The following is an entry in ClinVar:

NM_020937.4(FANCM):c.275G>A (p.Arg92Gln)

Gene: FANCM (FA complementation group M; plus strand). Cytogenetic location: 14q21.2.
Variant type: single nucleotide variant.
Coding change: c.275G>A on transcript NM_020937.4 (MANE Select); coding-DNA position 275, G replaced by A.
Protein change: p.Arg92Gln; replaces arginine 92 with glutamine.
Molecular consequence: missense variant.
Genome position (GRCh38, 1-based): chr14:45,136,306, G>A. VCF-style: chr14-45136306-G-A. GRCh37 (hg19) VCF-style: chr14-45605509-G-A.
Other names: c.275G>A, p.Arg92Gln (NM_001308133.2, NM_001308134.2); short protein forms R92Q.
Identifiers: ClinVar variation 857883 (VCV000857883.11), dbSNP rs1885496616, ClinGen allele CA389587686.

ClinVar aggregate classification (germline): Uncertain significance. Review status: criteria provided, multiple submitters, no conflicts (2 of 4 stars). 2 submissions from 2 submitters: Uncertain significance (2). Last evaluated 2025-02-12.

Conditions:
Inborn genetic diseases. Identifiers: MedGen C0950123, MeSH D030342.
Fanconi anemia (FA). Also called: Fanconi's anemia. Identifiers: Orphanet 84, MedGen C0015625, MeSH D005199, MONDO:0019391.

Allele frequency attached by ClinVar (database versions not stated): gnomAD 0.00001; 1000 Genomes Project 30x 0.00016.
gnomAD v4.1: 2 of 1,614,150 alleles (0.00012%); highest among the groups gnomAD compares: African/African-American, 0.0013%; no homozygotes.

Submissions (2):

Ambry Genetics
Classification: Uncertain significance for Inborn genetic diseases. Last evaluated: 2025-02-12. Review status: criteria provided, single submitter. Criteria: Ambry Variant Classification Scheme 2023. Collection method: clinical testing. Allele origin: germline.
Comment: The p.R92Q variant (also known as c.275G>A), located in coding exon 1 of the FANCM gene, results from a G to A substitution at nucleotide position 275. The arginine at codon 92 is replaced by glutamine, an amino acid with highly similar properties. This amino acid position is conserved. In addition, this alteration is predicted to be deleterious by in silico analysis. Based on the available evidence, the clinical significance of this variant remains unclear.

Labcorp Genetics (formerly Invitae), Labcorp
Classification: Uncertain significance for Fanconi anemia. Last evaluated: 2022-06-04. Review status: criteria provided, single submitter. Criteria: Invitae Variant Classification Sherloc (09022015). Collection method: clinical testing. Allele origin: germline.
Comment: This variant has not been reported in the literature in individuals affected with FANCM-related conditions. In summary, the available evidence is currently insufficient to determine the role of this variant in disease. Therefore, it has been classified as a Variant of Uncertain Significance. Algorithms developed to predict the effect of sequence changes on RNA splicing suggest that this variant may create or strengthen a splice site. Algorithms developed to predict the effect of missense changes on protein structure and function are either unavailable or do not agree on the potential impact of this missense change (SIFT: "Deleterious"; PolyPhen-2: "Probably Damaging"; Align-GVGD: "Class C0"). ClinVar contains an entry for this variant (Variation ID: 857883). This variant is not present in population databases (gnomAD no frequency). This sequence change replaces arginine, which is basic and polar, with glutamine, which is neutral and polar, at codon 92 of the FANCM protein (p.Arg92Gln).